The following is an entry in ClinVar:

NM_001368397.1(FRMPD4):c.2932G>A (p.Asp978Asn)

Gene: FRMPD4 (FERM and PDZ domain containing 4; plus strand). Cytogenetic location: Xp22.2.
Variant type: single nucleotide variant.
Coding change: c.2932G>A on transcript NM_001368397.1 (MANE Select); coding-DNA position 2932, G replaced by A.
Protein change: p.Asp978Asn; replaces aspartic acid 978 with asparagine.
Molecular consequence: missense variant.
Genome position (GRCh38, 1-based): chrX:12,717,758, G>A. VCF-style: chrX-12717758-G-A. GRCh37 (hg19) VCF-style: chrX-12735877-G-A.
Other names: c.2908G>A, p.Asp970Asn (NM_001368402.3, NM_001368401.1); c.2932G>A, p.Asp978Asn (NM_014728.3); c.3043G>A, p.Asp1015Asn (NM_001368395.3, NM_001368398.3); c.2938G>A, p.Asp980Asn (NM_001368396.3); c.2923G>A, p.Asp975Asn (NM_001368399.3); c.2812G>A, p.Asp938Asn (NM_001368400.3); short protein forms D980N, D970N, D975N, D978N, D1015N, D938N.
Identifiers: ClinVar variation 2370263 (VCV002370263.5), dbSNP rs2519858719, ClinGen allele CA412316261.
Genomic context (GRCh38, chrX:12,717,758, plus strand): 5'-ACCCCCGCTGGGGGCTTGCCTCCAAAGTCCTCGCACGCCCTGGCTGCTAGGCCAGCAACC[G>A]ACCTCCCGCCCAAAGTTGTGCCTTCCAAGCAGTTACTTCACTCAGACCACATGGAGATGG-3'
Protein context (NP_001355326.1, residues 968-988): SHALAARPAT[Asp978Asn]LPPKVVPSKQ

ClinVar aggregate classification (germline): Uncertain significance. Review status: criteria provided, multiple submitters, no conflicts (2 of 4 stars). 2 submissions from 2 submitters: Uncertain significance (2). Last evaluated 2022-08-29.

Conditions:
Inborn genetic diseases. Identifiers: MedGen C0950123, MeSH D030342.
Intellectual developmental disorder, X-linked 104. Also called: Intellectual disability, X-linked 104. Identifiers: MedGen C4310817, MONDO:0010509, OMIM 300983.

Allele frequency attached by ClinVar (database versions not stated): gnomAD exomes below 0.00001.
gnomAD v4.1: 1 of 1,211,810 alleles (0.000083%); highest among the groups gnomAD compares: Admixed American, 0.0022%; no homozygotes.

Submissions (2):

Ambry Genetics
Classification: Uncertain significance for Inborn genetic diseases. Last evaluated: 2022-08-29. Review status: criteria provided, single submitter. Criteria: Ambry Variant Classification Scheme 2023. Collection method: clinical testing. Allele origin: germline.
Comment: The c.2932G>A (p.D978N) alteration is located in exon 16 (coding exon 16) of the FRMPD4 gene. This alteration results from a G to A substitution at nucleotide position 2932, causing the aspartic acid (D) at amino acid position 978 to be replaced by an asparagine (N). This variant was not reported in population-based cohorts in the Genome Aggregation Database (gnomAD). This amino acid position is not well conserved in available vertebrate species. This alteration is predicted to be tolerated by in silico analysis. Based on insufficient or conflicting evidence, the clinical significance of this alteration remains unclear.

Revvity Omics, Revvity
Classification: Uncertain significance for Intellectual developmental disorder, X-linked 104. Last evaluated: 2019-09-20. Review status: criteria provided, single submitter. Criteria: ACMG Guidelines, 2015. Collection method: clinical testing. Allele origin: germline.